The following is an entry in ClinVar:

NM_000052.7(ATP7A):c.754G>A (p.Val252Ile)

Gene: ATP7A (ATPase copper transporting alpha; plus strand). Cytogenetic location: Xq21.1.
Variant type: single nucleotide variant.
Coding change: c.754G>A on transcript NM_000052.7 (MANE Select); coding-DNA position 754, G replaced by A.
Protein change: p.Val252Ile; replaces valine 252 with isoleucine.
Molecular consequence: missense variant.
Genome position (GRCh38, 1-based): chrX:77,989,376, G>A. VCF-style: chrX-77989376-G-A. GRCh37 (hg19) VCF-style: chrX-77244872-G-A.
Other names: c.754G>A, p.Val252Ile (NM_001282224.2); short protein forms V252I.
Identifiers: ClinVar variation 2938562 (VCV002938562.3), dbSNP rs2522293129, ClinGen allele CA413600762.

ClinVar aggregate classification (germline): Uncertain significance (1 of 4 stars; one submission).

Conditions:
Menkes kinky-hair syndrome (MNK). Also called: Copper transport disease; Menkes Disease; Classic Menkes Disease. Identifiers: Orphanet 565, MedGen C0022716, MONDO:0010651, OMIM 309400.
Cutis laxa, X-linked (OHS). Also called: EDS IX; Occipital horn syndrome. Identifiers: Orphanet 198, MedGen C0268353, MONDO:0010572, OMIM 304150.
X-linked distal spinal muscular atrophy type 3. Also called: ATP7A-Related Distal Motor Neuropathy; SPINAL MUSCULAR ATROPHY, DISTAL, X-LINKED RECESSIVE; NEURONOPATHY, DISTAL HEREDITARY MOTOR, X-LINKED; NEUROPATHY, DISTAL HEREDITARY MOTOR, X-LINKED. Identifiers: Orphanet 139557, MedGen C1845359, MONDO:0010338, OMIM 300489.

Submission:

Labcorp Genetics (formerly Invitae), Labcorp
Classification: Uncertain significance for X-linked distal spinal muscular atrophy type 3; Cutis laxa, X-linked; Menkes kinky-hair syndrome. Last evaluated: 2024-04-25. Review status: criteria provided, single submitter. Criteria: Invitae Variant Classification Sherloc (09022015). Collection method: clinical testing. Allele origin: germline.
Comment: This sequence change replaces valine, which is neutral and non-polar, with isoleucine, which is neutral and non-polar, at codon 252 of the ATP7A protein (p.Val252Ile). This variant is not present in population databases (gnomAD no frequency). This variant has not been reported in the literature in individuals affected with ATP7A-related conditions. Advanced modeling of protein sequence and biophysical properties (such as structural, functional, and spatial information, amino acid conservation, physicochemical variation, residue mobility, and thermodynamic stability) performed at Invitae indicates that this missense variant is not expected to disrupt ATP7A protein function with a negative predictive value of 95%. In summary, the available evidence is currently insufficient to determine the role of this variant in disease. Therefore, it has been classified as a Variant of Uncertain Significance.